The following is an entry in ClinVar:

ClinVar aggregate classification (germline): Uncertain significance (1 of 4 stars; one submission).

Submission:

Labcorp Genetics (formerly Invitae), Labcorp
Classification: Uncertain significance. Last evaluated: 2022-08-11. Review status: criteria provided, single submitter. Criteria: Invitae Variant Classification Sherloc (09022015). Collection method: clinical testing. Allele origin: germline.
Comment: In summary, the available evidence is currently insufficient to determine the role of this variant in disease. Therefore, it has been classified as a Variant of Uncertain Significance. Experimental studies and prediction algorithms are not available or were not evaluated, and the functional significance of this variant is currently unknown. This sequence change creates a premature translational stop signal (p.Glu825*) in the PDE6A gene. While this is not anticipated to result in nonsense mediated decay, it is expected to disrupt the last 36 amino acid(s) of the PDE6A protein. This variant has not been reported in the literature in individuals affected with PDE6A-related conditions. This variant is not present in population databases (gnomAD no frequency).

NM_000440.3(PDE6A):c.2473G>T (p.Glu825Ter)

Gene: PDE6A (phosphodiesterase 6A; minus strand). Cytogenetic location: 5q32.
Variant type: single nucleotide variant.
Coding change: c.2473G>T on transcript NM_000440.3 (MANE Select); coding-DNA position 2473, G replaced by T.
Protein change: p.Glu825Ter; replaces glutamic acid 825 with a stop codon.
Molecular consequence: nonsense.
Genome position (GRCh38, 1-based): chr5:149,863,152, C>A on the plus strand (G>T on the coding strand, the complement: PDE6A is on the minus strand). VCF-style: chr5-149863152-C-A. GRCh37 (hg19) VCF-style: chr5-149242715-C-A.
Other names: c.2230G>T, p.Glu744Ter (NM_001410788.1); short protein forms E744*, E825*.
Identifiers: ClinVar variation 2015172 (VCV002015172.4), dbSNP rs2480421334, ClinGen allele CA361708956.
Genomic context (GRCh38, chr5:149,863,152, plus strand): 5'-GAGTCCCTGCTTCCCCCTTCCACAAACCTGACTTGGCCGACTGCTGTTTCTGCTTCTTCT[C>A]CTCCTGCACCTTCATCTTGGCATCGTACTCATCAGCAAGCGCCTTCCACTCCTTGCGATT-3'